The following is an entry in ClinVar:

NM_001035.3(RYR2):c.2T>C (p.Met1Thr)

Gene: RYR2 (ryanodine receptor 2; plus strand). Cytogenetic location: 1q43.
Variant type: single nucleotide variant.
Coding change: c.2T>C on transcript NM_001035.3 (MANE Select); coding-DNA position 2, T replaced by C.
Protein change: p.Met1Thr; changes the start codon (methionine 1).
Molecular consequence: missense variant, initiator codon variant.
Genome position (GRCh38, 1-based): chr1:237,042,523, T>C. VCF-style: chr1-237042523-T-C. GRCh37 (hg19) VCF-style: chr1-237205823-T-C.
Other names: short protein forms M1T.
Identifiers: ClinVar variation 1712741 (VCV001712741.3), dbSNP rs1453040850, ClinGen allele CA345654137.

ClinVar aggregate classification (germline): Uncertain significance (1 of 4 stars; one submission).

Submission:

GeneDx
Classification: Uncertain significance. Last evaluated: 2022-10-28. Review status: criteria provided, single submitter. Criteria: GeneDx Variant Classification Process June 2021. Collection method: clinical testing. Allele origin: germline. Affected: yes.
Comment: Initiation codon variant in a gene for which loss of function is not a known mechanism of disease; Has not been previously published as pathogenic or benign to our knowledge; No data available from control populations to assess the frequency of this variant